The following is an entry in ClinVar:

NM_001079855.2(GYG2):c.1094C>T (p.Ser365Phe)

Gene: GYG2 (glycogenin 2; plus strand). Cytogenetic location: Xp22.33.
Variant type: single nucleotide variant.
Coding change: c.1094C>T on transcript NM_001079855.2 (MANE Select); coding-DNA position 1094, C replaced by T.
Protein change: p.Ser365Phe; replaces serine 365 with phenylalanine.
Molecular consequence: missense variant. On other transcripts: intron variant (2).
Genome position (GRCh38, 1-based): chrX:2,875,865, C>T. VCF-style: chrX-2875865-C-T. GRCh37 (hg19) VCF-style: chrX-2793906-C-T.
Other names: c.1094C>T, p.Ser365Phe (NM_001184702.2); c.1187C>T, p.Ser396Phe (NM_003918.3); c.1132-5187C>T (NM_001184703.2); c.574-5187C>T (NM_001184704.2); short protein forms S365F, S396F.
Identifiers: ClinVar variation 3856434 (VCV003856434.2).

ClinVar aggregate classification (germline): Uncertain significance. Review status: criteria provided, multiple submitters, no conflicts (2 of 4 stars). 2 submissions from 2 submitters: Uncertain significance (2). Last evaluated 2025-06-07.

gnomAD v4.1: 2 of 1,192,214 alleles (0.00017%); highest among the groups gnomAD compares: Admixed American, 0.0022%; no homozygotes.

Submissions (2):

Labcorp Genetics (formerly Invitae), Labcorp
Classification: Uncertain significance. Last evaluated: 2025-06-07. Review status: criteria provided, single submitter. Criteria: Invitae Variant Classification Sherloc (09022015). Collection method: clinical testing. Allele origin: germline.
Comment: This sequence change replaces serine, which is neutral and polar, with phenylalanine, which is neutral and non-polar, at codon 396 of the GYG2 protein (p.Ser396Phe). This variant is present in population databases (no rsID available, gnomAD 0.004%). This variant has not been reported in the literature in individuals affected with GYG2-related conditions. ClinVar contains an entry for this variant (Variation ID: 3856434). An algorithm developed to predict the effect of missense changes on protein structure and function (PolyPhen-2) suggests that this variant is likely to be disruptive. In summary, the available evidence is currently insufficient to determine the role of this variant in disease. Therefore, it has been classified as a Variant of Uncertain Significance.

Ambry Genetics
Classification: Uncertain significance. Last evaluated: 2025-01-09. Review status: criteria provided, single submitter. Criteria: Ambry Variant Classification Scheme 2023. Collection method: clinical testing. Allele origin: germline.